The following is an entry in ClinVar:

ClinVar aggregate classification (germline): Likely benign (1 of 4 stars; one submission).

Allele frequency attached by ClinVar (database versions not stated): ExAC 0.00079; 1000 Genomes Project 30x 0.00094; gnomAD 0.00096; TOPMed 0.00096; 1000 Genomes Project 0.00100; gnomAD exomes 0.00109; ESP Exome Variant Server 0.00139.
gnomAD v4.1: 1,743 of 1,613,898 alleles (0.11%); highest among the groups gnomAD compares: Non-Finnish European, 0.13%; 4 homozygotes.

Submission:

CeGaT Center for Human Genetics Tuebingen
Classification: Likely benign. Last evaluated: 2026-04-01. Review status: criteria provided, single submitter. Criteria: CeGaT Center For Human Genetics Tuebingen Variant Classification Criteria Version 2. Collection method: clinical testing. Allele origin: germline. Affected: yes. Observed: 3 variant alleles.
Comment: TBC1D2B: BP4

NM_144572.2(TBC1D2B):c.991G>A (p.Val331Ile)

Gene: TBC1D2B (TBC1 domain family member 2B; minus strand). Cytogenetic location: 15q25.1.
Variant type: single nucleotide variant.
Coding change: c.991G>A on transcript NM_144572.2 (MANE Select); coding-DNA position 991, G replaced by A.
Protein change: p.Val331Ile; replaces valine 331 with isoleucine.
Molecular consequence: missense variant.
Genome position (GRCh38, 1-based): chr15:78,025,354, C>T on the plus strand (G>A on the coding strand, the complement: TBC1D2B is on the minus strand). VCF-style: chr15-78025354-C-T. GRCh37 (hg19) VCF-style: chr15-78317696-C-T.
Other names: c.655G>A, p.Val219Ile (NM_001387149.1, NM_001387145.1, NM_001387146.1 and 2 more transcripts); c.991G>A, p.Val331Ile (NM_015079.6, NM_001387142.1, NM_001387144.1); c.988G>A, p.Val330Ile (NM_001387143.1); short protein forms V219I, V330I, V331I.
Identifiers: ClinVar variation 2645607 (VCV002645607.24), dbSNP rs145243820, ClinGen allele CA7679562.